The following is an entry in ClinVar:

NM_003664.5(AP3B1):c.604-97C>T

Gene: AP3B1 (adaptor related protein complex 3 subunit beta 1; minus strand). Cytogenetic location: 5q14.1.
Variant type: single nucleotide variant.
Coding change: c.604-97C>T on transcript NM_003664.5 (MANE Select); 97 bases into the intron before coding-DNA position 604, C replaced by T.
Molecular consequence: intron variant.
Genome position (GRCh38, 1-based): chr5:78,216,334, G>A on the plus strand (C>T on the coding strand, the complement: AP3B1 is on the minus strand). VCF-style: chr5-78216334-G-A. GRCh37 (hg19) VCF-style: chr5-77512158-G-A.
Other names: c.457-97C>T (NM_001271769.2).
Identifiers: ClinVar variation 1245392 (VCV001245392.5), dbSNP rs9293731, ClinGen allele CA121114842.
Genomic context (GRCh38, chr5:78,216,334, plus strand): 5'-TTTCTCCCCTACATCAAAGGTCTTACTCAGGCATTATAGTAATCAGTTTCATGCCAATCA[G>A]TATTAAAGTATTCAGTCATTCAATTAAAATGAATGTTCATGTTTGAATAACAAACTTTAT-3'

ClinVar aggregate classification (germline): Benign. Review status: criteria provided, multiple submitters, no conflicts (2 of 4 stars). 3 submissions from 3 submitters: Benign (3). Last evaluated 2024-01-24.

Allele frequency attached by ClinVar (database versions not stated): TOPMed 0.28805; gnomAD 0.29727 and 0.30127; 1000 Genomes Project 0.27017; 1000 Genomes Project 30x 0.27358.
gnomAD v4.1: 325,423 of 1,104,640 alleles (29%); highest among the groups gnomAD compares: Middle Eastern, 34%; 48,848 homozygotes.

Submissions (3):

Unidad de Genómica Garrahan, Hospital de Pediatría Garrahan
Classification: Benign. Last evaluated: 2024-01-24. Review status: criteria provided, single submitter. Criteria: ACMG Guidelines, 2015. Collection method: clinical testing. Allele origin: germline. Affected: no. Observed: 22 variant alleles.
Comment: This variant is classified as Benign based on local population frequency. This variant was detected in 23% of patients studied by a panel of primary immunodeficiencies. Number of patients: 22. Only high quality variants are reported.

GeneDx
Classification: Benign. Last evaluated: 2018-11-10. Review status: criteria provided, single submitter. Criteria: GeneDx Variant Classification Process June 2021. Collection method: clinical testing. Allele origin: germline. Affected: yes.

Breakthrough Genomics
Classification: Benign. Review status: criteria provided, single submitter. Criteria: ACMG Guidelines, 2015. Collection method: not provided. Allele origin: germline. Inheritance: Autosomal recessive inheritance. Affected: yes.